The following is an entry in ClinVar:

ClinVar aggregate classification (germline): Uncertain significance (1 of 4 stars; one submission).

Conditions:
Osteogenesis imperfecta type I (OI1). Also called: Lobstein disease; OI, TYPE I; OSTEOGENESIS IMPERFECTA TARDA; OSTEOGENESIS IMPERFECTA WITH BLUE SCLERAE; Osteogenesis imperfecta type 1; Lobstein's Disease. Identifiers: Orphanet 216796, Orphanet 666, MedGen C0023931, MONDO:0008146, OMIM 166200. Disease mechanism: loss of function.
Ehlers-Danlos syndrome, classic type, 1 (EDSCL1). Also called: EDS I; EHLERS-DANLOS SYNDROME, GRAVIS TYPE; EHLERS-DANLOS SYNDROME, SEVERE CLASSIC TYPE; Ehlers-Danlos syndrome, type 1; Ehlers-Danlos Syndrome, Classic Type, COL5A1-Related. Identifiers: MedGen C0268335, MONDO:0019567, OMIM 130000.

Submission:

Labcorp Genetics (formerly Invitae), Labcorp
Classification: Uncertain significance for Osteogenesis imperfecta type I; Ehlers-Danlos syndrome, classic type, 1. Last evaluated: 2023-02-11. Review status: criteria provided, single submitter. Criteria: Invitae Variant Classification Sherloc (09022015). Collection method: clinical testing. Allele origin: germline.
Comment: In summary, the available evidence is currently insufficient to determine the role of this variant in disease. Therefore, it has been classified as a Variant of Uncertain Significance. Algorithms developed to predict the effect of sequence changes on RNA splicing suggest that this variant may disrupt the consensus splice site. This variant has not been reported in the literature in individuals affected with COL1A2-related conditions. This variant is not present in population databases (gnomAD no frequency). This sequence change falls in intron 42 of the COL1A2 gene. It does not directly change the encoded amino acid sequence of the COL1A2 protein.

NM_000089.4(COL1A2):c.2781+16G>A

Gene: COL1A2 (collagen type I alpha 2 chain; plus strand). Cytogenetic location: 7q21.3.
Variant type: single nucleotide variant.
Coding change: c.2781+16G>A on transcript NM_000089.4 (MANE Select); 16 bases into the intron after coding-DNA position 2781, G replaced by A.
Molecular consequence: intron variant.
Genome position (GRCh38, 1-based): chr7:94,425,240, G>A. VCF-style: chr7-94425240-G-A. GRCh37 (hg19) VCF-style: chr7-94054552-G-A.
Identifiers: ClinVar variation 2943428 (VCV002943428.3), dbSNP rs2484733528, ClinGen allele CA2740097410.
Genomic context (GRCh38, chr7:94,425,240, plus strand): 5'-GGTAGTCCTGGAGTCAACGGTGCTCCTGGTGAAGCTGGTCGTGATGTGAGTCCAACACTT[G>A]GTTTGTAAAATAAAACTGAGCAGGATTTCATTGTGTGAAACTTTATGTCCTGAGCTGAGG-3'